The following is an entry in ClinVar:

ClinVar aggregate classification (germline): Uncertain significance. Review status: criteria provided, multiple submitters, no conflicts (2 of 4 stars). 4 submissions from 4 submitters: Uncertain significance (4). Last evaluated 2025-09-16.

Conditions:
Familial cancer of breast. Also called: hereditary breast carcinoma; BREAST CANCER, FAMILIAL; Hereditary breast cancer. Identifiers: Orphanet 227535, MedGen C0346153, MONDO:0016419, OMIM 114480. Disease mechanism: loss of function.
Fanconi anemia complementation group J. Also called: BRIP1-Related Fanconi Anemia. Identifiers: Orphanet 84, MedGen C1836860, MONDO:0012187, OMIM 609054.
Hereditary cancer-predisposing syndrome. Also called: Hereditary Cancer Syndrome; Tumor predisposition; Neoplastic Syndromes, Hereditary; Hereditary neoplastic syndrome. Identifiers: Orphanet 140162, MedGen C0027672, MeSH D009386, MONDO:0015356.

Allele frequency attached by ClinVar (database versions not stated): ExAC 0.00001; gnomAD exomes 0.00001.
gnomAD v4.1: 4 of 1,613,546 alleles (0.00025%); highest among the groups gnomAD compares: South Asian, 0.0033%; no homozygotes.

Submissions (4):

Labcorp Genetics (formerly Invitae), Labcorp
Classification: Uncertain significance for Familial cancer of breast; Fanconi anemia complementation group J. Last evaluated: 2025-09-16. Review status: criteria provided, single submitter. Criteria: Invitae Variant Classification Sherloc (09022015). Collection method: clinical testing. Allele origin: germline.
Comment: This sequence change replaces alanine, which is neutral and non-polar, with valine, which is neutral and non-polar, at codon 977 of the BRIP1 protein (p.Ala977Val). This variant is present in population databases (rs770352467, gnomAD 0.01%). This variant has not been reported in the literature in individuals affected with BRIP1-related conditions. ClinVar contains an entry for this variant (Variation ID: 650068). Invitae Evidence Modeling of protein sequence and biophysical properties (such as structural, functional, and spatial information, amino acid conservation, physicochemical variation, residue mobility, and thermodynamic stability) indicates that this missense variant is not expected to disrupt BRIP1 protein function with a negative predictive value of 95%. In summary, the available evidence is currently insufficient to determine the role of this variant in disease. Therefore, it has been classified as a Variant of Uncertain Significance.

Ambry Genetics
Classification: Uncertain significance for Hereditary cancer-predisposing syndrome. Last evaluated: 2024-11-17. Review status: criteria provided, single submitter. Criteria: Ambry Variant Classification Scheme 2023. Collection method: clinical testing. Allele origin: germline.
Comment: The p.A977V variant (also known as c.2930C>T), located in coding exon 19 of the BRIP1 gene, results from a C to T substitution at nucleotide position 2930. The alanine at codon 977 is replaced by valine, an amino acid with similar properties. This amino acid position is not well conserved in available vertebrate species. In addition, this alteration is predicted to be tolerated by in silico analysis. Since supporting evidence is limited at this time, the clinical significance of this alteration remains unclear.

Color Diagnostics, LLC DBA Color Health
Classification: Uncertain significance for Hereditary cancer-predisposing syndrome. Last evaluated: 2024-03-07. Review status: criteria provided, single submitter. Criteria: ACMG Guidelines, 2015. Collection method: clinical testing. Allele origin: germline.
Comment: This missense variant replaces alanine with valine at codon 977 of the BRIP1 protein. Computational prediction suggests that this variant may not impact protein structure and function (internally defined REVEL score threshold <= 0.5, PMID: 27666373). To our knowledge, functional studies have not been reported for this variant. This variant has not been reported in individuals affected with hereditary cancer in the literature. This variant has been identified in 3/250784 chromosomes in the general population by the Genome Aggregation Database (gnomAD). The available evidence is insufficient to determine the role of this variant in disease conclusively. Therefore, this variant is classified as a Variant of Uncertain Significance.

KCCC/NGS Laboratory, Kuwait Cancer Control Center
Classification: Uncertain significance for Familial cancer of breast. Last evaluated: 2023-08-07. Review status: criteria provided, single submitter. Criteria: ACMG Guidelines, 2015. Collection method: clinical testing. Allele origin: germline. Inheritance: Autosomal dominant inheritance. Affected: yes. Observed: 1 heterozygote.
Comment: This sequence change replaces alanine with valine at codon 977 of the BRIP1 protein (p.Ala977Val). The alanine residue is weakly conserved (PhyloP=1.28) and there is a small physicochemical difference between alanine and valine. This variant is present in population databases (rs770352467, ExAC 0.006%). This variant reported in clinvar database (650068) and classified as uncertain significance . This variant has not been reported in the literature in individuals affected with BRIP1-related conditions. In addition, this alteration is predicted to be tolerated by in silico analysis. In summary, the available evidence is currently insufficient to determine the role of this variant in disease. Therefore, it has been classified as a Variant of Uncertain Significance.

NM_032043.3(BRIP1):c.2930C>T (p.Ala977Val)

Gene: BRIP1 (BRCA1 interacting DNA helicase 1; minus strand). Cytogenetic location: 17q23.2.
Variant type: single nucleotide variant.
Coding change: c.2930C>T on transcript NM_032043.3 (MANE Select); coding-DNA position 2930, C replaced by T.
Protein change: p.Ala977Val; replaces alanine 977 with valine.
Molecular consequence: missense variant.
Genome position (GRCh38, 1-based): chr17:61,684,116, G>A on the plus strand (C>T on the coding strand, the complement: BRIP1 is on the minus strand). VCF-style: chr17-61684116-G-A. GRCh37 (hg19) VCF-style: chr17-59761477-G-A.
Other names: short protein forms A977V.
Identifiers: ClinVar variation 650068 (VCV000650068.15), dbSNP rs770352467, ClinGen allele CA8690422.